The following is an entry in ClinVar:

ClinVar aggregate classification (germline): Conflicting classifications of pathogenicity. Review status: criteria provided, conflicting classifications (1 of 4 stars). 4 submissions from 4 submitters: Uncertain significance (3); Likely benign (1). Last evaluated 2025-06-08.

Conditions:
Hereditary cancer-predisposing syndrome. Also called: Hereditary Cancer Syndrome; Hereditary neoplastic syndrome; Neoplastic Syndromes, Hereditary; Tumor predisposition. Identifiers: Orphanet 140162, MedGen C0027672, MeSH D009386, MONDO:0015356.
Fanconi anemia (FA). Also called: Fanconi's anemia. Identifiers: Orphanet 84, MedGen C0015625, MeSH D005199, MONDO:0019391.
Fanconi anemia complementation group C (FANCC). Also called: Fanconi anemia, group C; FANCONI PANCYTOPENIA, TYPE 3; FACC; FANCC-Related Fanconi Anemia. Identifiers: Orphanet 84, MedGen C3468041, MONDO:0009213, OMIM 227645.

Submissions (4):

Labcorp Genetics (formerly Invitae), Labcorp
Classification: Uncertain significance for Fanconi anemia. Last evaluated: 2025-06-08. Review status: criteria provided, single submitter. Criteria: Invitae Variant Classification Sherloc (09022015). Collection method: clinical testing. Allele origin: germline.
Comment: This sequence change replaces threonine, which is neutral and polar, with proline, which is neutral and non-polar, at codon 475 of the FANCC protein (p.Thr475Pro). This variant is not present in population databases (gnomAD no frequency). This variant has not been reported in the literature in individuals affected with FANCC-related conditions. ClinVar contains an entry for this variant (Variation ID: 1772300). Invitae Evidence Modeling of protein sequence and biophysical properties (such as structural, functional, and spatial information, amino acid conservation, physicochemical variation, residue mobility, and thermodynamic stability) indicates that this missense variant is not expected to disrupt FANCC protein function with a negative predictive value of 80%. In summary, the available evidence is currently insufficient to determine the role of this variant in disease. Therefore, it has been classified as a Variant of Uncertain Significance.

Ambry Genetics
Classification: Likely benign for Hereditary cancer-predisposing syndrome. Last evaluated: 2024-03-25. Review status: criteria provided, single submitter. Criteria: Ambry Variant Classification Scheme 2023. Collection method: clinical testing. Allele origin: germline.

Quest Diagnostics Nichols Institute San Juan Capistrano
Classification: Uncertain significance. Last evaluated: 2024-01-15. Review status: criteria provided, single submitter. Criteria: Quest Diagnostics criteria. Collection method: clinical testing. Allele origin: unknown.
Comment: The FANCC c.1423A>C (p.Thr475Pro) variant has not been reported in individuals with FANCC-related conditions in the published literature. It also has not been reported in large, multi-ethnic general populations (Genome Aggregation Database). Analysis of this variant using bioinformatics tools for the prediction of the effect of amino acid changes on protein structure and function yielded predictions that this variant is benign. Based on the available information, we are unable to determine the clinical significance of this variant.

Department of Pathology and Laboratory Medicine, Sinai Health System
Classification: Uncertain significance for Fanconi anemia complementation group C. Last evaluated: 2021-04-08. Review status: criteria provided, single submitter. Criteria: ACMG Guidelines, 2015. Collection method: clinical testing. Allele origin: germline. Affected: yes.

NM_000136.3(FANCC):c.1423A>C (p.Thr475Pro)

Genes: AOPEP (aminopeptidase O (putative); plus strand), FANCC (FA complementation group C; minus strand). Cytogenetic location: 9q22.32.
Variant type: single nucleotide variant.
Coding change: c.1423A>C on transcript NM_000136.3 (MANE Select); coding-DNA position 1423, A replaced by C.
Protein change: p.Thr475Pro; replaces threonine 475 with proline.
Molecular consequence: missense variant.
Genome position (GRCh38, 1-based): chr9:95,107,176, T>G on the plus strand (A>C on the coding strand, the complement: FANCC is on the minus strand). VCF-style: chr9-95107176-T-G. GRCh37 (hg19) VCF-style: chr9-97869458-T-G.
Other names: c.1423A>C, p.Thr475Pro (NM_001243743.2); short protein forms T475P.
Identifiers: ClinVar variation 1772300 (VCV001772300.6), dbSNP rs2540809415, ClinGen allele CA374106014.